The following is an entry in ClinVar:

NM_001291303.3(FAT4):c.1451T>A (p.Leu484Gln)

Gene: FAT4 (FAT atypical cadherin 4; plus strand). Cytogenetic location: 4q28.1.
Variant type: single nucleotide variant.
Coding change: c.1451T>A on transcript NM_001291303.3 (MANE Select); coding-DNA position 1451, T replaced by A.
Protein change: p.Leu484Gln; replaces leucine 484 with glutamine.
Molecular consequence: missense variant.
Genome position (GRCh38, 1-based): chr4:125,317,862, T>A. VCF-style: chr4-125317862-T-A. GRCh37 (hg19) VCF-style: chr4-126239017-T-A.
Other names: c.1451T>A, p.Leu484Gln (NM_001291285.3, NM_024582.6); short protein forms L484Q.
Identifiers: ClinVar variation 2767222 (VCV002767222.3), dbSNP rs758809697, ClinGen allele CA358117932.

ClinVar aggregate classification (germline): Uncertain significance (1 of 4 stars; one submission).

gnomAD v4.1: 2 of 1,614,154 alleles (0.00012%); highest among the groups gnomAD compares: Non-Finnish European, 0.00017%; no homozygotes.

Submission:

Labcorp Genetics (formerly Invitae), Labcorp
Classification: Uncertain significance. Last evaluated: 2024-07-10. Review status: criteria provided, single submitter. Criteria: Invitae Variant Classification Sherloc (09022015). Collection method: clinical testing. Allele origin: germline.
Comment: This sequence change replaces leucine, which is neutral and non-polar, with glutamine, which is neutral and polar, at codon 484 of the FAT4 protein (p.Leu484Gln). This variant is not present in population databases (gnomAD no frequency). This variant has not been reported in the literature in individuals affected with FAT4-related conditions. Advanced modeling of protein sequence and biophysical properties (such as structural, functional, and spatial information, amino acid conservation, physicochemical variation, residue mobility, and thermodynamic stability) performed at Invitae indicates that this missense variant is expected to disrupt FAT4 protein function with a positive predictive value of 80%. In summary, the available evidence is currently insufficient to determine the role of this variant in disease. Therefore, it has been classified as a Variant of Uncertain Significance.